The following is an entry in ClinVar:

NM_000481.4(AMT):c.631G>A (p.Glu211Lys)

Gene: AMT (aminomethyltransferase; minus strand). Cytogenetic location: 3p21.31.
Variant type: single nucleotide variant.
Coding change: c.631G>A on transcript NM_000481.4 (MANE Select); coding-DNA position 631, G replaced by A.
Protein change: p.Glu211Lys; replaces glutamic acid 211 with lysine.
Molecular consequence: missense variant. On other transcripts: non-coding transcript variant (1).
Genome position (GRCh38, 1-based): chr3:49,419,325, C>T on the plus strand (G>A on the coding strand, the complement: AMT is on the minus strand). VCF-style: chr3-49419325-C-T. GRCh37 (hg19) VCF-style: chr3-49456758-C-T.
Other names: p.Glu211Lys; c.499G>A, p.Glu167Lys (NM_001164710.2); c.463G>A, p.Glu155Lys (NM_001164711.2); c.631G>A, p.Glu211Lys (NM_001164712.2); short protein forms E211K, E155K, E167K.
Identifiers: ClinVar variation 462898 (VCV000462898.65), dbSNP rs116192290, ClinGen allele CA2398296.

ClinVar aggregate classification (germline): Benign/Likely benign. Review status: criteria provided, multiple submitters, no conflicts (2 of 4 stars). 12 submissions from 12 submitters: Benign (4); Likely benign (5). 3 of the submissions do not count toward it. Last evaluated 2026-09-01.

Conditions:
Glycine encephalopathy. Also called: Nonketotic hyperglycinemia; Non-ketotic hyperglycinemia. Identifiers: Orphanet 407, MedGen C0751748, MONDO:0011612, HP:0008288.

Allele frequency attached by ClinVar (database versions not stated): 1000 Genomes Project 30x 0.00625; ESP Exome Variant Server 0.00654; 1000 Genomes Project 0.00719; TOPMed 0.00720; gnomAD 0.00735 and 0.00774; ExAC 0.01103.
gnomAD v4.1: 14,180 of 1,614,230 alleles (0.88%); highest among the groups gnomAD compares: Middle Eastern, 2.7%; 114 homozygotes.

Submissions (12):

CeGaT Center for Human Genetics Tuebingen
Classification: Benign. Last evaluated: 2026-09-01. Review status: criteria provided, single submitter. Criteria: CeGaT Center For Human Genetics Tuebingen Variant Classification Criteria Version 2. Collection method: clinical testing. Allele origin: germline. Affected: yes. Observed: 64 variant alleles.
Comment: AMT: BS1, BS2

Labcorp Genetics (formerly Invitae), Labcorp
Classification: Benign for Glycine encephalopathy. Last evaluated: 2026-02-04. Review status: criteria provided, single submitter. Criteria: Invitae Variant Classification Sherloc (09022015). Collection method: clinical testing. Allele origin: germline.

Blueprint Genetics
Classification: Likely benign. Last evaluated: 2024-11-25. Review status: criteria provided, single submitter. Criteria: ACMG Guidelines, 2015. Collection method: clinical testing. Allele origin: germline.

Genome-Nilou Lab
Classification: Likely benign for Glycine encephalopathy 1. Last evaluated: 2021-07-10. Review status: criteria provided, single submitter. Criteria: ACMG Guidelines, 2015. Collection method: clinical testing. Allele origin: germline. Affected: no.

Mendelics
Classification: Likely benign for Glycine encephalopathy 1. Last evaluated: 2019-05-28. Review status: criteria provided, single submitter. Criteria: Mendelics Assertion Criteria 2017. Collection method: clinical testing. Allele origin: unknown.

Mayo Clinic Laboratories, Mayo Clinic
Classification: Benign. Last evaluated: 2018-12-24. Review status: criteria provided, single submitter. Criteria: ACMG Guidelines, 2015. Collection method: clinical testing. Allele origin: germline. Observed: 14 variant alleles.

Athena Diagnostics
Classification: Benign. Last evaluated: 2018-09-11. Review status: criteria provided, single submitter. Criteria: Athena Diagnostics Criteria. Collection method: clinical testing. Allele origin: germline.

Illumina Laboratory Services, Illumina
Classification: Likely benign for Glycine encephalopathy 1. Last evaluated: 2017-04-27. Review status: criteria provided, single submitter. Criteria: ICSL Variant Classification Criteria 13 December 2019. Collection method: clinical testing. Allele origin: germline.
Comment: This variant was observed as part of a predisposition screen in an ostensibly healthy population. A literature search was performed for the gene, cDNA change, and amino acid change (where applicable). No publications were found based on this search. Allele frequency data from public databases allowed determination this variant is unlikely to cause disease. Therefore, this variant is classified as likely benign.

Genome Diagnostics Laboratory, University Medical Center Utrecht
Classification: Likely benign for Glycine encephalopathy 1. Last evaluated: 2014-10-09. Review status: criteria provided, single submitter. Criteria: ACGS Guidelines, 2013. Collection method: clinical testing. Allele origin: germline. Affected: yes. Study: VKGL Data-share Consensus.

Natera, Inc.
Classification: Benign for Non-ketotic hyperglycinemia. Last evaluated: 2020-09-16. Review status: no assertion criteria provided. Collection method: clinical testing. Allele origin: germline. Not counted in ClinVar's aggregate classification.

Diagnostic Laboratory, Department of Genetics, University Medical Center Groningen
Classification: Benign for Glycine encephalopathy 1. Review status: no assertion criteria provided. Collection method: clinical testing. Allele origin: germline. Affected: yes. Study: VKGL Data-share Consensus. Not counted in ClinVar's aggregate classification.

Laboratory of Diagnostic Genome Analysis, Leiden University Medical Center (LUMC)
Classification: Benign. Review status: no assertion criteria provided. Collection method: clinical testing. Allele origin: germline. Affected: yes. Study: VKGL Data-share Consensus. Not counted in ClinVar's aggregate classification.

Literature cited by the submitters: PubMed 10873393 (cited by Athena Diagnostics); PubMed 27884173 (cited by Athena Diagnostics); PubMed 27620832 (cited by Athena Diagnostics); PubMed 12948742 (cited by Athena Diagnostics); PubMed 22171071 (cited by Athena Diagnostics).